The following is an entry in ClinVar:

NM_000702.4(ATP1A2):c.1674A>G (p.Pro558=)

Gene: ATP1A2 (ATPase Na+/K+ transporting subunit alpha 2; plus strand). Cytogenetic location: 1q23.2.
Variant type: single nucleotide variant.
Coding change: c.1674A>G on transcript NM_000702.4 (MANE Select); coding-DNA position 1674, A replaced by G.
Protein change: p.Pro558=; no amino-acid change (proline 558 retained).
Molecular consequence: synonymous variant.
Genome position (GRCh38, 1-based): chr1:160,130,444, A>G. VCF-style: chr1-160130444-A-G. GRCh37 (hg19) VCF-style: chr1-160100234-A-G.
Identifiers: ClinVar variation 293133 (VCV000293133.5), dbSNP rs769798147, ClinGen allele CA1194559.

ClinVar aggregate classification (germline): Conflicting classifications of pathogenicity. Review status: criteria provided, conflicting classifications (1 of 4 stars). 2 submissions from 1 submitter: Uncertain significance (1); Likely benign (1). Last evaluated 2018-01-13.

Conditions:
Migraine, familial hemiplegic, 2. Identifiers: Orphanet 569, MedGen C1865322, MONDO:0011232, OMIM 602481.
Alternating hemiplegia of childhood 1 (AHC1). Identifiers: Orphanet 2131, MedGen C3549447, MONDO:0007087, OMIM 104290.

Allele frequency attached by ClinVar (database versions not stated): gnomAD 0.00001; gnomAD exomes 0.00001 and 0.00002; TOPMed 0.00001; ExAC 0.00002.
gnomAD v4.1: 12 of 1,614,094 alleles (0.00074%); highest among the groups gnomAD compares: Non-Finnish European, 0.00093%; no homozygotes.

Submissions (2):

Illumina Laboratory Services, Illumina
Classification: Likely benign for Alternating hemiplegia of childhood 1. Last evaluated: 2018-01-13. Review status: criteria provided, single submitter. Criteria: ICSL Variant Classification Criteria 13 December 2019. Collection method: clinical testing. Allele origin: germline.
Comment: This variant was observed in the ICSL laboratory as part of a predisposition screen in an ostensibly healthy population. It had not been previously curated by ICSL or reported in the Human Gene Mutation Database (HGMD: prior to June 1st, 2018), and was therefore a candidate for classification through an automated scoring system. Utilizing variant allele frequency, disease prevalence and penetrance estimates, and inheritance mode, an automated score was calculated to assess if this variant is too frequent to cause the disease. Based on the score and internal cut-off values, a variant classified as likely benign is not then subjected to further curation. The score for this variant resulted in a classification of likely benign for this disease.

Illumina Laboratory Services, Illumina
Classification: Uncertain significance for Migraine, familial hemiplegic, 2. Last evaluated: 2018-01-13. Review status: criteria provided, single submitter. Criteria: ICSL Variant Classification Criteria 13 December 2019. Collection method: clinical testing. Allele origin: germline.